The following is an entry in ClinVar:

ClinVar aggregate classification (germline): Pathogenic (1 of 4 stars; one submission).

Submission:

ISCA site 4
Classification: Pathogenic. Last evaluated: 2011-08-12. Review status: criteria provided, single submitter. Criteria: Kaminsky et al. (Genet Med. 2011). Collection method: clinical testing. Allele origin: unknown. Affected: yes. Observed: 1 variant allele.
Comment: Copy number variation identified through the course of routine clinical cytogenomic testing in postnatal populations. Clinical assertions have been curated as described in Kaminsky et al. 2011.

GRCh38/hg38 15q13.2-13.3(chr15:30662523-32607357)x1

Genes: ARHGAP11A-DT (ARHGAP11A divergent transcript; minus strand), CHRNA7 (cholinergic receptor nicotinic alpha 7 subunit), FAN1 (FANCD2 and FANCI associated nuclease 1; plus strand), GOLGA8K (golgin A8 family member K), GOLGA8N (golgin A8 family member N; plus strand) and 28 more. Cytogenetic location: 15q13.2-13.3.
Variant type: copy number loss.
Change: copy number 1 (one copy instead of two) of chr15:30,662,523-32,607,357 (1.94 Mb, GRCh38 coordinates, 1-based), cytogenetic band 15q13.2-13.3.
Identifiers: ClinVar variation 57024 (VCV000057024.1).